The following is an entry in ClinVar:

ClinVar aggregate classification (germline): Uncertain significance (1 of 4 stars; one submission).

gnomAD v4.1: 2 of 1,614,244 alleles (0.00012%); highest among the groups gnomAD compares: South Asian, 0.0022%; no homozygotes.

Submission:

GeneDx
Classification: Uncertain significance. Last evaluated: 2024-11-03. Review status: criteria provided, single submitter. Criteria: GeneDx Variant Classification Process June 2021. Collection method: clinical testing. Allele origin: germline. Affected: yes.
Comment: Not observed at significant frequency in large population cohorts (gnomAD); In silico analysis indicates that this missense variant does not alter protein structure/function; Has not been previously published as pathogenic or benign to our knowledge

NM_001375524.1(TRRAP):c.6622A>C (p.Met2208Leu)

Gene: TRRAP (transformation/transcription domain associated protein; plus strand). Cytogenetic location: 7q22.1.
Variant type: single nucleotide variant.
Coding change: c.6622A>C on transcript NM_001375524.1 (MANE Select); coding-DNA position 6622, A replaced by C.
Protein change: p.Met2208Leu; replaces methionine 2208 with leucine.
Molecular consequence: missense variant.
Genome position (GRCh38, 1-based): chr7:98,961,393, A>C. VCF-style: chr7-98961393-A-C. GRCh37 (hg19) VCF-style: chr7-98559016-A-C.
Other names: c.6601A>C, p.Met2201Leu (NM_001244580.2); c.6547A>C, p.Met2183Leu (NM_003496.4); short protein forms M2183L, M2201L, M2208L.
Identifiers: ClinVar variation 3897109 (VCV003897109.1).